The following is an entry in ClinVar:

ClinVar aggregate classification (germline): Benign. Review status: criteria provided, multiple submitters, no conflicts (2 of 4 stars). 2 submissions from 2 submitters: Benign (2). Last evaluated 2018-06-15.

Allele frequency attached by ClinVar (database versions not stated): 1000 Genomes Project 30x 0.65037; 1000 Genomes Project 0.65954; TOPMed 0.68264; ESP Exome Variant Server 0.69737; gnomAD 0.69905 and 0.70441; ExAC 0.78485; gnomAD exomes 0.78835 and 0.83158.
gnomAD v4.1: 1,302,544 of 1,592,368 alleles (82%); highest among the groups gnomAD compares: Non-Finnish European, 86%; 542,352 homozygotes.

Submissions (2):

GeneDx
Classification: Benign. Last evaluated: 2018-06-15. Review status: criteria provided, single submitter. Criteria: GeneDx Variant Classification (06012015). Collection method: clinical testing. Allele origin: germline. Affected: yes.
Comment: This variant is considered likely benign or benign based on one or more of the following criteria: it is a conservative change, it occurs at a poorly conserved position in the protein, it is predicted to be benign by multiple in silico algorithms, and/or has population frequency not consistent with disease.

Breakthrough Genomics
Classification: Benign. Review status: criteria provided, single submitter. Criteria: ACMG Guidelines, 2015. Collection method: not provided. Allele origin: germline. Inheritance: Unknown mechanism. Affected: yes.

NM_014476.6(PDLIM3):c.906-40C>T

Gene: PDLIM3 (PDZ and LIM domain 3; minus strand). Cytogenetic location: 4q35.1.
Variant type: single nucleotide variant.
Coding change: c.906-40C>T on transcript NM_014476.6 (MANE Select); 40 bases into the intron before coding-DNA position 906, C replaced by T.
Molecular consequence: intron variant.
Genome position (GRCh38, 1-based): chr4:185,502,523, G>A on the plus strand (C>T on the coding strand, the complement: PDLIM3 is on the minus strand). VCF-style: chr4-185502523-G-A. GRCh37 (hg19) VCF-style: chr4-186423677-G-A.
Other names: c.405-40C>T (NM_001257963.2); c.642-40C>T (NM_001257962.2); c.762-40C>T (NM_001114107.5).
Identifiers: ClinVar variation 671179 (VCV000671179.2), dbSNP rs10866276, ClinGen allele CA3159642.